The following is an entry in ClinVar:

NM_145054.5(CFAP52):c.1404G>T (p.Arg468Ser)

Gene: CFAP52 (cilia and flagella associated protein 52; plus strand). Cytogenetic location: 17p13.1.
Variant type: single nucleotide variant.
Coding change: c.1404G>T on transcript NM_145054.5 (MANE Select); coding-DNA position 1404, G replaced by T.
Protein change: p.Arg468Ser; replaces arginine 468 with serine.
Molecular consequence: missense variant.
Genome position (GRCh38, 1-based): chr17:9,635,488, G>T. VCF-style: chr17-9635488-G-T. GRCh37 (hg19) VCF-style: chr17-9538805-G-T.
Other names: c.1200G>T, p.Arg400Ser (NM_001080556.2); short protein forms R468S, R400S.
Identifiers: ClinVar variation 581962 (VCV000581962.9), dbSNP rs775063335, ClinGen allele CA8382220.
Genomic context (GRCh38, chr17:9,635,488, plus strand): 5'-TCAGACCCAGAAGCTGGAGGAGGCCCTGAAGGAACACAAGTCATCAGTGTCCTGCATTAG[G>T]GTGAAGAGGAACAACGAGGAGTGTGTCACCGCCAGCACCGATGGGACTTGTATCATTTGG-3'
Protein context (NP_659491.4, residues 458-478): KEHKSSVSCI[Arg468Ser]VKRNNEECVT

ClinVar aggregate classification (germline): Uncertain significance (1 of 4 stars; one submission).

Conditions:
Situs inversus. Also called: Situs inversus totalis. Identifiers: Orphanet 101063, MedGen C4551493, MONDO:0010029, HP:0001696.

Allele frequency attached by ClinVar (database versions not stated): gnomAD exomes below 0.00001; ExAC 0.00001.

Submission:

Labcorp Genetics (formerly Invitae), Labcorp
Classification: Uncertain significance for Situs inversus. Last evaluated: 2018-04-12. Review status: criteria provided, single submitter. Criteria: Invitae Variant Classification Sherloc (09022015). Collection method: clinical testing. Allele origin: germline.
Comment: This sequence change replaces arginine with serine at codon 468 of the CFAP52 protein (p.Arg468Ser). The arginine residue is weakly conserved and there is a moderate physicochemical difference between arginine and serine. The frequency data for this variant in the population databases is considered unreliable, as metrics indicate poor data quality at this position in the ExAC database. This variant has not been reported in the literature in individuals with CFAP52-related disease. Algorithms developed to predict the effect of missense changes on protein structure and function (SIFT, PolyPhen-2, Align-GVGD) all suggest that this variant is likely to be tolerated, but these predictions have not been confirmed by published functional studies and their clinical significance is uncertain. In summary, the available evidence is currently insufficient to determine the role of this variant in disease. Therefore, it has been classified as a Variant of Uncertain Significance.